The following is an entry in ClinVar:

NM_001267550.2(TTN):c.5741C>T (p.Ala1914Val)

Gene: TTN (titin; minus strand). Cytogenetic location: 2q31.2.
Variant type: single nucleotide variant.
Coding change: c.5741C>T on transcript NM_001267550.2 (MANE Select); coding-DNA position 5741, C replaced by T.
Protein change: p.Ala1914Val; replaces alanine 1914 with valine.
Molecular consequence: missense variant.
Genome position (GRCh38, 1-based): chr2:178,776,123, G>A on the plus strand (C>T on the coding strand, the complement: TTN is on the minus strand). VCF-style: chr2-178776123-G-A. GRCh37 (hg19) VCF-style: chr2-179640850-G-A.
Other names: c.5741C>T, p.Ala1914Val (NM_001256850.1, NM_133378.4, NM_133379.5); c.5603C>T, p.Ala1868Val (NM_003319.4, NM_133432.3, NM_133437.4); short protein forms A1914V, A1868V.
Identifiers: ClinVar variation 47217 (VCV000047217.24), dbSNP rs374203813, ClinGen allele CA140371.
Genomic context (GRCh38, chr2:178,776,123, plus strand): 5'-TCTTCCCTCTGTTGAATCTCAAGCTTCACTTTATGCTCTATCACACCTTCAGGATTTTCC[G>A]CGGTGACCTTCACTTCACCTGTGTCATATGATTTGCAGTCCACGATGTCCAGGTAATGGA-3'
Protein context (NP_001254479.2, residues 1904-1924): SYDTGEVKVT[Ala1914Val]ENPEGVIEHK

ClinVar aggregate classification (germline): Conflicting classifications of pathogenicity. Review status: criteria provided, conflicting classifications (1 of 4 stars). 12 submissions from 12 submitters: Uncertain significance (6); Likely benign (3). 3 of the submissions do not count toward it. Last evaluated 2026-06-01.

Conditions:
TTN-related disorder. Also called: TTN-related condition; TTN-related disease; TTN-related disorders.
Cardiovascular phenotype. Identifiers: MedGen CN230736.

Allele frequency attached by ClinVar (database versions not stated): ExAC 0.00002; gnomAD exomes 0.00002 and 0.00004; TOPMed 0.00002; gnomAD 0.00003; 1000 Genomes Project 0.00020; 1000 Genomes Project 30x 0.00031.
gnomAD v4.1: 37 of 1,614,036 alleles (0.0023%); highest among the groups gnomAD compares: South Asian, 0.0088%; no homozygotes.

Submissions (12):

CeGaT Center for Human Genetics Tuebingen
Classification: Uncertain significance. Last evaluated: 2026-06-01. Review status: criteria provided, single submitter. Criteria: CeGaT Center For Human Genetics Tuebingen Variant Classification Criteria Version 2. Collection method: clinical testing. Allele origin: germline. Affected: yes. Observed: 1 variant allele.
Comment: TTN: PM2

PreventionGenetics, part of Exact Sciences
Classification: Uncertain significance for TTN-related condition. Last evaluated: 2026-04-28. Review status: criteria provided, single submitter. Criteria: ACMG Guidelines, 2015. Collection method: clinical testing. Allele origin: germline.
Comment: The TTN c.5741C>T variant is predicted to result in the amino acid substitution p.Ala1914Val. This variant has been reported in an individual with sudden unexpected death (Suktitipat et al. 2017. PubMed ID: 28704380). This variant is reported in 0.010% of alleles in individuals of East Asian descent in gnomAD. At this time, the clinical significance of this variant is uncertain due to the absence of conclusive functional and genetic evidence.

Women's Health and Genetics/Laboratory Corporation of America, LabCorp
Classification: Uncertain significance. Last evaluated: 2025-06-18. Review status: criteria provided, single submitter. Criteria: LabCorp Variant Classification Summary - May 2015. Collection method: clinical testing. Allele origin: germline.
Comment: Variant summary: TTN c.5741C>T (p.Ala1914Val) results in a non-conservative amino acid change in the encoded protein sequence. Algorithms developed to predict the effect of missense changes on protein structure and function all suggest that this variant is likely to be disruptive. The variant allele was found at a frequency of 3.6e-05 in 251112 control chromosomes. The available data on variant occurrences in the general population are insufficient to allow any conclusion about variant significance. c.5741C>T has been observed in at-least one individual who had sudden cardiac death while sleeping, without strong evidence of causality (example: Suktitipat_2017). These report(s) do not provide unequivocal conclusions about association of the variant with Autosomal Recessive Titinopathy or other TTN-related disorders. To our knowledge, no experimental evidence demonstrating an impact on protein function has been reported. The following publication has been ascertained in the context of this evaluation (PMID: 28704380). ClinVar contains an entry for this variant (Variation ID: 47217). Based on the evidence outlined above, the variant was classified as uncertain significance.

Blueprint Genetics
Classification: Likely benign. Last evaluated: 2024-11-21. Review status: criteria provided, single submitter. Criteria: ACMG Guidelines, 2015. Collection method: clinical testing. Allele origin: germline.

Revvity Omics, Revvity
Classification: Uncertain significance. Last evaluated: 2021-03-04. Review status: criteria provided, single submitter. Criteria: ACMG Guidelines, 2015. Collection method: clinical testing. Allele origin: germline.

Ambry Genetics
Classification: Likely benign for Cardiovascular phenotype. Last evaluated: 2020-05-12. Review status: criteria provided, single submitter. Criteria: Ambry Variant Classification Scheme 2023. Collection method: clinical testing. Allele origin: germline.

GeneDx
Classification: Likely benign. Last evaluated: 2019-08-30. Review status: criteria provided, single submitter. Criteria: GeneDx Variant Classification Process June 2021. Collection method: clinical testing. Allele origin: germline. Affected: yes.
Comment: This variant is associated with the following publications: (PMID: 28704380)

Eurofins Ntd Llc (ga)
Classification: Uncertain significance. Last evaluated: 2016-12-03. Review status: criteria provided, single submitter. Criteria: EGL Classification Definitions 2015. Collection method: clinical testing. Allele origin: germline. Observed: 1 variant allele, 1 heterozygote.

Laboratory for Molecular Medicine, Mass General Brigham Personalized Medicine
Classification: Uncertain significance. Last evaluated: 2012-05-23. Review status: criteria provided, single submitter. Criteria: LMM Criteria. Collection method: clinical testing. Allele origin: germline. Observed: 1 variant allele.
Comment: The Ala1914Val variant in TTN has not been reported in the literature nor previo usly identified by our laboratory. It was also not detected in 2 large cohorts ( European and African American) sequenced by the NHLBI Exome Sequencing Project. This low frequency is consistent wiht a pat hogenic role but is insufficient to rule out a benign role. Computational analys es (biochemical amino acid properties, conservation, AlignGVGD, PolyPhen2, and S IFT) do not provide strong support for or against an impact to the protein. Addi tional information is needed to fully assess the clinical significance of the Al a1914Val variant.

Clinical Genetics, Academic Medical Center
Classification: Uncertain significance. Review status: no assertion criteria provided. Collection method: clinical testing. Allele origin: germline. Affected: yes. Study: VKGL Data-share Consensus. Not counted in ClinVar's aggregate classification.

Genome Diagnostics Laboratory, University Medical Center Utrecht
Classification: Uncertain significance. Review status: no assertion criteria provided. Collection method: clinical testing. Allele origin: germline. Affected: yes. Study: VKGL Data-share Consensus. Not counted in ClinVar's aggregate classification.

Joint Genome Diagnostic Labs from Nijmegen and Maastricht, Radboudumc and MUMC+
Classification: Uncertain significance. Review status: no assertion criteria provided. Collection method: clinical testing. Allele origin: germline. Affected: yes. Study: VKGL Data-share Consensus. Not counted in ClinVar's aggregate classification.

Literature cited by the submitters: PubMed 28704380 (cited by Women's Health and Genetics/Laboratory Corporation of America, LabCorp and Ambry Genetics).